The following is an entry in ClinVar:

NM_000071.3(CBS):c.829-12C>T

Gene: CBS (cystathionine beta-synthase; minus strand). Cytogenetic location: 21q22.3.
Variant type: single nucleotide variant.
Coding change: c.829-12C>T on transcript NM_000071.3 (MANE Select); 12 bases into the intron before coding-DNA position 829, C replaced by T.
Molecular consequence: intron variant.
Genome position (GRCh38, 1-based): chr21:43,063,090, G>A on the plus strand (C>T on the coding strand, the complement: CBS is on the minus strand). VCF-style: chr21-43063090-G-A. GRCh37 (hg19) VCF-style: chr21-44483200-G-A.
Other names: c.829-12C>T (NM_001320298.2, NM_001178009.3, NM_001178008.3); c.514-12C>T (NM_001321072.1).
Identifiers: ClinVar variation 136671 (VCV000136671.28), dbSNP rs75616587, ClinGen allele CA289977.

ClinVar aggregate classification (germline): Benign/Likely benign. Review status: criteria provided, multiple submitters, no conflicts (2 of 4 stars). 7 submissions from 7 submitters: Benign (6); Likely benign (1). Last evaluated 2026-02-04.

Conditions:
Classic homocystinuria. Also called: HOMOCYSTINURIA WITH OR WITHOUT RESPONSE TO PYRIDOXINE; Homocystinuria due to Cystathionine Beta-Synthase Deficiency; Homocystinuria due to CBS deficiency; Cystathionine beta-synthase deficiency; CBS deficiency. Identifiers: Orphanet 394, MedGen C0751202, MONDO:0009352, OMIM 236200.
HYPERHOMOCYSTEINEMIA, THROMBOTIC, CBS-RELATED. Identifiers: MedGen C3150344, OMIM 236200.

Allele frequency attached by ClinVar (database versions not stated): ESP Exome Variant Server 0.00100; ExAC 0.00603; gnomAD exomes 0.00684; gnomAD 0.00698; 1000 Genomes Project 0.00799.

Submissions (7):

Labcorp Genetics (formerly Invitae), Labcorp
Classification: Benign for HYPERHOMOCYSTEINEMIA, THROMBOTIC, CBS-RELATED. Last evaluated: 2026-02-04. Review status: criteria provided, single submitter. Criteria: Invitae Variant Classification Sherloc (09022015). Collection method: clinical testing. Allele origin: germline.

ARUP Laboratories, Molecular Genetics and Genomics, ARUP Laboratories
Classification: Benign. Last evaluated: 2025-03-26. Review status: criteria provided, single submitter. Criteria: ARUP Molecular Germline Variant Investigation Process 2024. Collection method: clinical testing. Allele origin: germline.

Blueprint Genetics
Classification: Likely benign. Last evaluated: 2024-11-21. Review status: criteria provided, single submitter. Criteria: ACMG Guidelines, 2015. Collection method: clinical testing. Allele origin: germline.

Women's Health and Genetics/Laboratory Corporation of America, LabCorp
Classification: Benign. Last evaluated: 2023-07-21. Review status: criteria provided, single submitter. Criteria: LabCorp Variant Classification Summary - May 2015. Collection method: clinical testing. Allele origin: germline.

Illumina Laboratory Services, Illumina
Classification: Benign for Classic homocystinuria. Last evaluated: 2018-01-13. Review status: criteria provided, single submitter. Criteria: ICSL Variant Classification Criteria 13 December 2019. Collection method: clinical testing. Allele origin: germline.
Comment: This variant was observed in the ICSL laboratory as part of a predisposition screen in an ostensibly healthy population. It had not been previously curated by ICSL or reported in the Human Gene Mutation Database (HGMD: prior to June 1st, 2018), and was therefore a candidate for classification through an automated scoring system. Utilizing variant allele frequency, disease prevalence and penetrance estimates, and inheritance mode, an automated score was calculated to assess if this variant is too frequent to cause the disease. Based on the score and internal cut-off values, a variant classified as benign is not then subjected to further curation. The score for this variant resulted in a classification of benign for this disease.

GeneDx
Classification: Benign. Last evaluated: 2013-07-02. Review status: criteria provided, single submitter. Criteria: GeneDx Variant Classification (06012015). Collection method: clinical testing. Allele origin: germline. Affected: yes.
Comment: This variant is considered likely benign or benign based on one or more of the following criteria: it is a conservative change, it occurs at a poorly conserved position in the protein, it is predicted to be benign by multiple in silico algorithms, and/or has population frequency not consistent with disease.

Breakthrough Genomics
Classification: Benign. Review status: criteria provided, single submitter. Criteria: ACMG Guidelines, 2015. Collection method: not provided. Allele origin: germline. Inheritance: Autosomal recessive inheritance. Affected: yes.